The following is an entry in ClinVar:

NM_001286577.2(C2CD3):c.1127T>C (p.Ile376Thr)

Gene: C2CD3 (C2 domain containing 3 centriole elongation regulator; minus strand). Cytogenetic location: 11q13.4.
Variant type: single nucleotide variant.
Coding change: c.1127T>C on transcript NM_001286577.2 (MANE Select); coding-DNA position 1127, T replaced by C.
Protein change: p.Ile376Thr; replaces isoleucine 376 with threonine.
Molecular consequence: missense variant.
Genome position (GRCh38, 1-based): chr11:74,132,934, A>G on the plus strand (T>C on the coding strand, the complement: C2CD3 is on the minus strand). VCF-style: chr11-74132934-A-G. GRCh37 (hg19) VCF-style: chr11-73843979-A-G.
Other names: c.1127T>C, p.Ile376Thr (NM_015531.6); short protein forms I376T.
Identifiers: ClinVar variation 1932738 (VCV001932738.3), dbSNP rs762131748, ClinGen allele CA6183041.

ClinVar aggregate classification (germline): Uncertain significance (1 of 4 stars; one submission).

Allele frequency attached by ClinVar (database versions not stated): ExAC 0.00002; gnomAD exomes 0.00001.
gnomAD v4.1: 15 of 1,613,894 alleles (0.00093%); highest among the groups gnomAD compares: Non-Finnish European, 0.0013%; no homozygotes.

Submission:

Labcorp Genetics (formerly Invitae), Labcorp
Classification: Uncertain significance. Last evaluated: 2025-12-24. Review status: criteria provided, single submitter. Criteria: Invitae Variant Classification Sherloc (09022015). Collection method: clinical testing. Allele origin: germline.
Comment: This sequence change replaces isoleucine, which is neutral and non-polar, with threonine, which is neutral and polar, at codon 376 of the C2CD3 protein (p.Ile376Thr). This variant is present in population databases (rs762131748, gnomAD 0.004%). This variant has not been reported in the literature in individuals affected with C2CD3-related conditions. ClinVar contains an entry for this variant (Variation ID: 1932738). Invitae Evidence Modeling of protein sequence and biophysical properties (such as structural, functional, and spatial information, amino acid conservation, physicochemical variation, residue mobility, and thermodynamic stability) indicates that this missense variant is not expected to disrupt C2CD3 protein function with a negative predictive value of 80%. In summary, the available evidence is currently insufficient to determine the role of this variant in disease. Therefore, it has been classified as a Variant of Uncertain Significance.